The following is an entry in ClinVar:

ClinVar aggregate classification (germline): Uncertain significance (1 of 4 stars; one submission).

Conditions:
Fanconi anemia (FA). Also called: Fanconi's anemia. Identifiers: Orphanet 84, MedGen C0015625, MeSH D005199, MONDO:0019391.

Allele frequency attached by ClinVar (database versions not stated): gnomAD 0.00001.
gnomAD v4.1: 1 of 1,613,946 alleles (0.000062%); highest among the groups gnomAD compares: Non-Finnish European, 0.000085%; no homozygotes.

Submission:

Labcorp Genetics (formerly Invitae), Labcorp
Classification: Uncertain significance for Fanconi anemia. Last evaluated: 2024-05-19. Review status: criteria provided, single submitter. Criteria: Invitae Variant Classification Sherloc (09022015). Collection method: clinical testing. Allele origin: germline.
Comment: This sequence change replaces alanine, which is neutral and non-polar, with threonine, which is neutral and polar, at codon 85 of the FANCF protein (p.Ala85Thr). This variant is present in population databases (no rsID available, gnomAD 0.007%). This variant has not been reported in the literature in individuals affected with FANCF-related conditions. ClinVar contains an entry for this variant (Variation ID: 2037816). Advanced modeling of protein sequence and biophysical properties (such as structural, functional, and spatial information, amino acid conservation, physicochemical variation, residue mobility, and thermodynamic stability) has been performed at Invitae for this missense variant, however the output from this modeling did not meet the statistical confidence thresholds required to predict the impact of this variant on FANCF protein function. In summary, the available evidence is currently insufficient to determine the role of this variant in disease. Therefore, it has been classified as a Variant of Uncertain Significance.

NM_022725.4(FANCF):c.253G>A (p.Ala85Thr)

Gene: FANCF (FA complementation group F; minus strand). Cytogenetic location: 11p14.3.
Variant type: single nucleotide variant.
Coding change: c.253G>A on transcript NM_022725.4 (MANE Select); coding-DNA position 253, G replaced by A.
Protein change: p.Ala85Thr; replaces alanine 85 with threonine.
Molecular consequence: missense variant.
Genome position (GRCh38, 1-based): chr11:22,625,558, C>T on the plus strand (G>A on the coding strand, the complement: FANCF is on the minus strand). VCF-style: chr11-22625558-C-T. GRCh37 (hg19) VCF-style: chr11-22647104-C-T.
Other names: short protein forms A85T.
Identifiers: ClinVar variation 2037816 (VCV002037816.3), dbSNP rs1316059930, ClinGen allele CA380059406.